The following is an entry in ClinVar:

NM_001122955.4(BSCL2):c.765G>A (p.Ser255=)

Genes: BSCL2 (BSCL2 lipid droplet biogenesis associated, seipin; minus strand), HNRNPUL2-BSCL2 (HNRNPUL2-BSCL2 readthrough (NMD candidate); minus strand). Cytogenetic location: 11q12.3.
Variant type: single nucleotide variant.
Coding change: c.765G>A on transcript NM_001122955.4 (MANE Select); coding-DNA position 765, G replaced by A.
Protein change: p.Ser255=; no amino-acid change (serine 255 retained).
Molecular consequence: synonymous variant. On other transcripts: non-coding transcript variant (1).
Genome position (GRCh38, 1-based): chr11:62,692,663, C>T on the plus strand (G>A on the coding strand, the complement: BSCL2 is on the minus strand). VCF-style: chr11-62692663-C-T. GRCh37 (hg19) VCF-style: chr11-62460135-C-T.
Other names: c.573G>A, p.Ser191= (NM_001130702.2, NM_032667.6); c.765G>A, p.Ser255= (NM_001386027.1, NM_001386028.1).
Identifiers: ClinVar variation 1678788 (VCV001678788.7), dbSNP rs774120735, ClinGen allele CA6053481.
Genomic context (GRCh38, chr11:62,692,663, plus strand): 5'-GAATCCTGGGCTAATGGGAGGGGCTATCTCCTAGTCATAAAGCTCGTTCACCTCACTCAC[C>T]GAGTTCTCTCTATAGTCTGCGTAGAGTTCCACCTCCAGCAGCTGCTTCTGCTCTGCAAAG-3'
Protein context (NP_001116427.1, residues 245-265): VELYADYREN[Ser255=]YVPTTGAIIE

ClinVar aggregate classification (germline): Conflicting classifications of pathogenicity. Review status: criteria provided, conflicting classifications (1 of 4 stars). 2 submissions from 2 submitters: Uncertain significance (1); Likely benign (1). Last evaluated 2023-08-07.

Conditions:
Charcot-Marie-Tooth disease type 2. Also called: Charcot-Marie-Tooth type 2. Identifiers: Orphanet 64746, MedGen C0270914, MONDO:0018993.

Allele frequency attached by ClinVar (database versions not stated): gnomAD exomes 0.00001 and 0.00004; ExAC 0.00004; gnomAD 0.00001; TOPMed 0.00002.
gnomAD v4.1: 20 of 1,613,876 alleles (0.0012%); highest among the groups gnomAD compares: Admixed American, 0.0067%; no homozygotes.

Submissions (2):

Labcorp Genetics (formerly Invitae), Labcorp
Classification: Uncertain significance for Charcot-Marie-Tooth disease type 2. Last evaluated: 2023-08-07. Review status: criteria provided, single submitter. Criteria: Invitae Variant Classification Sherloc (09022015). Collection method: clinical testing. Allele origin: germline.
Comment: This sequence change affects codon 191 of the BSCL2 mRNA. It is a 'silent' change, meaning that it does not change the encoded amino acid sequence of the BSCL2 protein. This variant also falls at the last nucleotide of exon 5, which is part of the consensus splice site for this exon. This variant is present in population databases (rs774120735, gnomAD 0.006%). This variant has not been reported in the literature in individuals affected with BSCL2-related conditions. ClinVar contains an entry for this variant (Variation ID: 1678788). Variants that disrupt the consensus splice site are a relatively common cause of aberrant splicing (PMID: 17576681, 9536098). Algorithms developed to predict the effect of sequence changes on RNA splicing suggest that this variant may create or strengthen a splice site. In summary, the available evidence is currently insufficient to determine the role of this variant in disease. Therefore, it has been classified as a Variant of Uncertain Significance.

GeneDx
Classification: Likely benign. Last evaluated: 2018-08-10. Review status: criteria provided, single submitter. Criteria: GeneDx Variant Classification Process June 2021. Collection method: clinical testing. Allele origin: germline. Affected: yes.
Comment: See Variant Classification Assertion Criteria.

Literature cited by the submitters: PubMed 17576681 (cited by Labcorp Genetics (formerly Invitae), Labcorp); PubMed 9536098 (cited by Labcorp Genetics (formerly Invitae), Labcorp).